The following is an entry in ClinVar:

NM_006218.4(PIK3CA):c.1279A>G (p.Ile427Val)

Gene: PIK3CA (phosphatidylinositol-4,5-bisphosphate 3-kinase catalytic subunit alpha; plus strand). Cytogenetic location: 3q26.32.
Variant type: single nucleotide variant.
Coding change: c.1279A>G on transcript NM_006218.4 (MANE Select); coding-DNA position 1279, A replaced by G.
Protein change: p.Ile427Val; replaces isoleucine 427 with valine.
Molecular consequence: missense variant.
Genome position (GRCh38, 1-based): chr3:179,210,213, A>G. VCF-style: chr3-179210213-A-G. GRCh37 (hg19) VCF-style: chr3-178928001-A-G.
Other names: short protein forms I427V.
Identifiers: ClinVar variation 1973047 (VCV001973047.5), dbSNP rs943535452, ClinGen allele CA88522609.

ClinVar aggregate classification (germline): Uncertain significance (1 of 4 stars; one submission).

Conditions:
Cowden syndrome (CS). Also called: Cowden's disease; Cowden's syndrome; Cowden disease. Identifiers: Orphanet 201, MedGen C0018553, MONDO:0016063. Disease mechanism: gain of function.

Allele frequency attached by ClinVar (database versions not stated): gnomAD exomes below 0.00001; TOPMed below 0.00001.
gnomAD v4.1: 1 of 1,591,348 alleles (0.000063%); highest among the groups gnomAD compares: African/African-American, 0.0014%; no homozygotes.

Submission:

Labcorp Genetics (formerly Invitae), Labcorp
Classification: Uncertain significance for Cowden syndrome. Last evaluated: 2022-06-26. Review status: criteria provided, single submitter. Criteria: Invitae Variant Classification Sherloc (09022015). Collection method: clinical testing. Allele origin: germline.
Comment: In summary, the available evidence is currently insufficient to determine the role of this variant in disease. Therefore, it has been classified as a Variant of Uncertain Significance. Advanced modeling of protein sequence and biophysical properties (such as structural, functional, and spatial information, amino acid conservation, physicochemical variation, residue mobility, and thermodynamic stability) performed at Invitae indicates that this missense variant is not expected to disrupt PIK3CA protein function. This variant has not been reported in the literature in individuals affected with PIK3CA-related conditions. The frequency data for this variant in the population databases is considered unreliable, as metrics indicate poor data quality at this position in the gnomAD database. This sequence change replaces isoleucine, which is neutral and non-polar, with valine, which is neutral and non-polar, at codon 427 of the PIK3CA protein (p.Ile427Val).